The following is an entry in ClinVar:

ClinVar aggregate classification (germline): Uncertain significance (1 of 4 stars; one submission).

Conditions:
Cardiac arrhythmia. Also called: Cardiac rhythm disease; Arrhythmia. Identifiers: MedGen C0003811, MONDO:0007263, HP:0011675.

Submission:

Color Diagnostics, LLC DBA Color Health
Classification: Uncertain significance for Cardiac arrhythmia. Last evaluated: 2023-12-04. Review status: criteria provided, single submitter. Criteria: ACMG Guidelines, 2015. Collection method: clinical testing. Allele origin: germline.
Comment: This missense variant replaces aspartic acid with glutamic acid at codon 383 of the KCNH2 protein. Computational prediction is inconclusive regarding the impact of this variant on protein structure and function (internally defined REVEL score threshold 0.5 < inconclusive < 0.7, PMID: 27666373). To our knowledge, functional studies have not been reported for this variant. This variant has not been reported in individuals affected with KCNH2-related disorders in the literature. This variant has not been identified in the general population by the Genome Aggregation Database (gnomAD). The available evidence is insufficient to determine the role of this variant in disease conclusively. Therefore, this variant is classified as a Variant of Uncertain Significance.

NM_000238.4(KCNH2):c.1149C>A (p.Asp383Glu)

Gene: KCNH2 (potassium voltage-gated channel subfamily H member 2; minus strand). Cytogenetic location: 7q36.1.
Variant type: single nucleotide variant.
Coding change: c.1149C>A on transcript NM_000238.4 (MANE Select); coding-DNA position 1149, C replaced by A.
Protein change: p.Asp383Glu; replaces aspartic acid 383 with glutamic acid.
Molecular consequence: missense variant.
Genome position (GRCh38, 1-based): chr7:150,952,833, G>T on the plus strand (C>A on the coding strand, the complement: KCNH2 is on the minus strand). VCF-style: chr7-150952833-G-T. GRCh37 (hg19) VCF-style: chr7-150649921-G-T.
Other names: c.129C>A, p.Asp43Glu (NM_001204798.2, NM_172057.3); c.861C>A, p.Asp287Glu (NM_001406753.1, NM_001406756.1); c.972C>A, p.Asp324Glu (NM_001406755.1); c.849C>A, p.Asp283Glu (NM_001406757.1); c.1149C>A, p.Asp383Glu (NM_172056.3); short protein forms D43E, D383E, D324E, D283E, D287E.
Identifiers: ClinVar variation 925167 (VCV000925167.7), dbSNP rs201995634, ClinGen allele CA369860336.
Genomic context (GRCh38, chr7:150,952,833, plus strand): 5'-GTAATGCAGGATGGTCCAGCGGTGGATGCGCGGTGCCTGCAGCTTGTACTCAGGCAGCAC[G>T]TCGGCGCCCAGGGACAGGACCTGCACCCGGGGAAGGCGGAGGTGTGGGTGAGGCAGGCCA-3'
Protein context (NP_000229.1, residues 373-393): KVTQVLSLGA[Asp383Glu]VLPEYKLQAP